The following is an entry in ClinVar:

ClinVar aggregate classification (germline): Uncertain significance (1 of 4 stars; one submission).

Conditions:
Developmental and epileptic encephalopathy. Identifiers: MedGen C5779964, MONDO:0100620.

Allele frequency attached by ClinVar (database versions not stated): gnomAD 0.00011 and 0.00012.
gnomAD v4.1: 17 of 150,274 alleles (0.011%); highest among the groups gnomAD compares: Non-Finnish European, 0.018%; no homozygotes.

Submission:

Labcorp Genetics (formerly Invitae), Labcorp
Classification: Uncertain significance for Early-infantile DEE. Last evaluated: 2025-01-08. Review status: criteria provided, single submitter. Criteria: Invitae Variant Classification Sherloc (09022015). Collection method: clinical testing. Allele origin: germline.
Comment: This sequence change falls in intron 20 of the SCN1A gene. It does not directly change the encoded amino acid sequence of the SCN1A protein. However, this sequence change falls within a region encompassing a cryptic exon in the SCN1A gene, in which variants have been shown to alter splicing (PMID: 30526861, 34107977). This variant is present in population databases (no rsID available, gnomAD 0.03%). This variant has not been reported in the literature in individuals affected with SCN1A-related conditions. ClinVar contains an entry for this variant (Variation ID: 1647105). Algorithms developed to predict the effect of sequence changes on RNA splicing suggest that this variant is not likely to affect RNA splicing. In summary, the available evidence is currently insufficient to determine the role of this variant in disease. Therefore, it has been classified as a Variant of Uncertain Significance.

Literature cited by the submitters: PubMed 30526861; PubMed 34107977.

NM_001165963.4(SCN1A):c.4002+2621C>T

Genes: SCN1A (sodium voltage-gated channel alpha subunit 1; minus strand), LOC102724058 (uncharacterized LOC102724058; plus strand). Cytogenetic location: 2q24.3.
Variant type: single nucleotide variant.
Coding change: c.4002+2621C>T on transcript NM_001165963.4 (MANE Select); 2621 bases into the intron after coding-DNA position 4002, C replaced by T.
Molecular consequence: intron variant.
Genome position (GRCh38, 1-based): chr2:166,007,098, G>A on the plus strand (C>T on the coding strand, the complement: SCN1A is on the minus strand). VCF-style: chr2-166007098-G-A. GRCh37 (hg19) VCF-style: chr2-166863608-G-A.
Other names: c.3969+2621C>T (NM_001353949.2, NM_001353950.2, NM_001353951.2 and 2 more transcripts); c.3918+2621C>T (NM_001353958.2, NM_001353957.2, NM_001165964.3); c.4002+2621C>T (NM_001202435.3, NM_001353948.2); c.3966+2621C>T (NM_001353955.2, NM_001353954.2); c.3915+2621C>T (NM_001353960.2); c.1560+2621C>T (NM_001353961.2).
Identifiers: ClinVar variation 1647105 (VCV001647105.8), dbSNP rs1165497884, ClinGen allele CA537134239.
Genomic context (GRCh38, chr2:166,007,098, plus strand): 5'-AGGGTAAATTCATAAAGGTTTTTTTTTTTTTCAAATGAAATTTAAGACAATTGAAAAGAG[G>A]GGATTAGGATGTAAATAATGTATTTTCCCTACTGTGGTGCAATAATAGTACCCTTCCCAA-3'